The following is an entry in ClinVar:

NM_002691.4(POLD1):c.900G>A (p.Pro300=)

Gene: POLD1 (DNA polymerase delta 1, catalytic subunit; plus strand). Cytogenetic location: 19q13.33.
Variant type: single nucleotide variant.
Coding change: c.900G>A on transcript NM_002691.4 (MANE Select); coding-DNA position 900, G replaced by A.
Protein change: p.Pro300=; no amino-acid change (proline 300 retained).
Molecular consequence: synonymous variant. On other transcripts: non-coding transcript variant (1).
Genome position (GRCh38, 1-based): chr19:50,402,671, G>A. VCF-style: chr19-50402671-G-A. GRCh37 (hg19) VCF-style: chr19-50905928-G-A.
Other names: p.Pro300=; c.900G>A, p.Pro300= (NM_001256849.1, NM_001308632.1).
Identifiers: ClinVar variation 393105 (VCV000393105.25), dbSNP rs142407935, ClinGen allele CA9595947.

ClinVar aggregate classification (germline): Benign/Likely benign. Review status: criteria provided, multiple submitters, no conflicts (2 of 4 stars). 9 submissions from 9 submitters: Benign (3); Likely benign (6). Last evaluated 2026-06-05.

Conditions:
POLD1-related polyposis and colorectal cancer syndrome (CRCS10). Also called: Colorectal cancer, susceptibility to, 10; Colorectal cancer 10; COLORECTAL CANCER, SUSCEPTIBILITY TO, ON CHROMOSOME 19q. Identifiers: Orphanet 220460, MedGen C2675481, MONDO:0012953, OMIM 612591.
Hereditary cancer-predisposing syndrome. Also called: Neoplastic Syndromes, Hereditary; Hereditary neoplastic syndrome; Hereditary Cancer Syndrome; Tumor predisposition. Identifiers: Orphanet 140162, MedGen C0027672, MeSH D009386, MONDO:0015356.

Allele frequency attached by ClinVar (database versions not stated): 1000 Genomes Project 30x 0.00016; 1000 Genomes Project 0.00020; TOPMed 0.00027; ESP Exome Variant Server 0.00038.
gnomAD v4.1: 144 of 1,598,396 alleles (0.009%); highest among the groups gnomAD compares: South Asian, 0.077%; 2 homozygotes.

Submissions (9):

Women's Health and Genetics/Laboratory Corporation of America, LabCorp
Classification: Benign. Last evaluated: 2026-06-05. Review status: criteria provided, single submitter. Criteria: LabCorp Variant Classification Summary - May 2015. Collection method: clinical testing. Allele origin: germline.

Labcorp Genetics (formerly Invitae), Labcorp
Classification: Likely benign for POLD1-related polyposis and colorectal cancer syndrome. Last evaluated: 2026-02-03. Review status: criteria provided, single submitter. Criteria: Invitae Variant Classification Sherloc (09022015). Collection method: clinical testing. Allele origin: germline.

Mayo Clinic Laboratories, Mayo Clinic
Classification: Likely benign. Last evaluated: 2025-04-30. Review status: criteria provided, single submitter. Criteria: ACMG Guidelines, 2015. Collection method: clinical testing. Allele origin: germline. Observed: 1 variant allele.
Comment: BP4, BP7

Myriad Genetics, Inc.
Classification: Benign for POLD1-related polyposis and colorectal cancer syndrome. Last evaluated: 2025-02-05. Review status: criteria provided, single submitter. Criteria: Myriad Autosomal Dominant, Autosomal Recessive and X-Linked Classification Criteria (2023). Collection method: clinical testing. Allele origin: unknown.
Comment: This variant is considered benign. This variant is a silent/synonymous amino acid change and it is not expected to impact splicing.

Blueprint Genetics
Classification: Likely benign. Last evaluated: 2024-01-18. Review status: criteria provided, single submitter. Criteria: ACMG Guidelines, 2015. Collection method: clinical testing. Allele origin: germline.

GeneDx
Classification: Likely benign. Last evaluated: 2021-09-15. Review status: criteria provided, single submitter. Criteria: GeneDx Variant Classification Process June 2021. Collection method: clinical testing. Allele origin: germline. Affected: yes.

Mendelics
Classification: Likely benign for POLD1-related polyposis and colorectal cancer syndrome. Last evaluated: 2019-05-28. Review status: criteria provided, single submitter. Criteria: Mendelics Assertion Criteria 2017. Collection method: clinical testing. Allele origin: unknown.

Quest Diagnostics Nichols Institute San Juan Capistrano
Classification: Benign. Last evaluated: 2019-04-01. Review status: criteria provided, single submitter. Criteria: Quest Diagnostics criteria. Collection method: clinical testing. Allele origin: germline.

Ambry Genetics
Classification: Likely benign for Hereditary cancer-predisposing syndrome. Last evaluated: 2015-11-03. Review status: criteria provided, single submitter. Criteria: Ambry Variant Classification Scheme 2023. Collection method: clinical testing. Allele origin: germline.